The following is an entry in ClinVar:

ClinVar aggregate classification (germline): Conflicting classifications of pathogenicity. Review status: criteria provided, conflicting classifications (1 of 4 stars). 4 submissions from 4 submitters: Uncertain significance (3); Likely benign (1). Last evaluated 2025-07-24.

Conditions:
Cardiovascular phenotype. Identifiers: MedGen CN230736.
Arrhythmogenic right ventricular dysplasia 8 (ARVD8). Also called: Arrhythmogenic Right Ventricular Dysplasia/Cardiomyopathy 8; ARRHYTHMOGENIC RIGHT VENTRICULAR DYSPLASIA, FAMILIAL, 8; ARRHYTHMOGENIC RIGHT VENTRICULAR CARDIOMYOPATHY 8. Identifiers: MedGen C1843896, MONDO:0011831, OMIM 607450.
Arrhythmogenic cardiomyopathy with wooly hair and keratoderma. Also called: Dilated cardiomyopathy with woolly hair and keratoderma; Arrhythmogenic cardiomyopathy with woolly hair and keratoderma; PALMOPLANTAR KERATODERMA WITH LEFT VENTRICULAR CARDIOMYOPATHY AND WOOLLY HAIR; Carvajal syndrome. Identifiers: Orphanet 65282, MedGen C1854063, MONDO:0011581, OMIM 605676.

Allele frequency attached by ClinVar (database versions not stated): gnomAD exomes below 0.00001; gnomAD 0.00002; TOPMed 0.00003; ESP Exome Variant Server 0.00008.
gnomAD v4.1: 5 of 1,614,004 alleles (0.00031%); highest among the groups gnomAD compares: African/African-American, 0.0053%; no homozygotes.

Submissions (4):

Ambry Genetics
Classification: Uncertain significance for Cardiovascular phenotype. Last evaluated: 2025-07-24. Review status: criteria provided, single submitter. Criteria: Ambry Variant Classification Scheme 2023. Collection method: clinical testing. Allele origin: germline.
Comment: The p.M266T variant (also known as c.797T>C), located in coding exon 7 of the DSP gene, results from a T to C substitution at nucleotide position 797. The methionine at codon 266 is replaced by threonine, an amino acid with similar properties. This amino acid position is not well conserved in available vertebrate species. In addition, the in silico prediction for this alteration is inconclusive. Since supporting evidence is limited at this time, the clinical significance of this alteration remains unclear.

GeneDx
Classification: Uncertain significance. Last evaluated: 2024-10-22. Review status: criteria provided, single submitter. Criteria: GeneDx Variant Classification Process June 2021. Collection method: clinical testing. Allele origin: germline. Affected: yes.
Comment: Has not been previously published as pathogenic or benign to our knowledge; Not observed at significant frequency in large population cohorts (gnomAD); In silico analysis indicates that this missense variant does not alter protein structure/function

Labcorp Genetics (formerly Invitae), Labcorp
Classification: Likely benign for Arrhythmogenic cardiomyopathy with wooly hair and keratoderma; Arrhythmogenic right ventricular dysplasia 8. Last evaluated: 2024-09-24. Review status: criteria provided, single submitter. Criteria: Invitae Variant Classification Sherloc (09022015). Collection method: clinical testing. Allele origin: germline.

Laboratory for Molecular Medicine, Mass General Brigham Personalized Medicine
Classification: Uncertain significance. Last evaluated: 2013-09-18. Review status: criteria provided, single submitter. Criteria: LMM Criteria. Collection method: clinical testing. Allele origin: germline. Observed: 1 variant allele.
Comment: The Met266Thr variant in DSP has not been previously reported in individuals wit h cardiomyopathy, but has been identified in 1/4406 African American chromosomes by the NHLBI Exome Sequencing Project. Compu tational analyses (biochemical amino acid properties, conservation, AlignGVGD, P olyPhen2, and SIFT) do not provide strong support for or against an impact to th e protein. Additional information is needed to fully assess the clinical signifi cance of this variant.

NM_004415.4(DSP):c.797T>C (p.Met266Thr)

Gene: DSP (desmoplakin; plus strand). Cytogenetic location: 6p24.3.
Variant type: single nucleotide variant.
Coding change: c.797T>C on transcript NM_004415.4 (MANE Select); coding-DNA position 797, T replaced by C.
Protein change: p.Met266Thr; replaces methionine 266 with threonine.
Molecular consequence: missense variant.
Genome position (GRCh38, 1-based): chr6:7,565,378, T>C. VCF-style: chr6-7565378-T-C. GRCh37 (hg19) VCF-style: chr6-7565611-T-C.
Other names: c.797T>C, p.Met266Thr (NM_001008844.3, NM_001319034.2); short protein forms M266T.
Identifiers: ClinVar variation 179012 (VCV000179012.12), dbSNP rs370890663, ClinGen allele CA007336.